The following is an entry in ClinVar:

NM_003119.4(SPG7):c.*587G>A

Gene: SPG7 (SPG7 matrix AAA peptidase subunit, paraplegin; plus strand). Cytogenetic location: 16q24.3.
Variant type: single nucleotide variant.
Coding change: c.*587G>A on transcript NM_003119.4 (MANE Select); 587 bases downstream of the stop codon, G replaced by A.
Molecular consequence: 3 prime UTR variant.
Genome position (GRCh38, 1-based): chr16:89,557,680, G>A. VCF-style: chr16-89557680-G-A. GRCh37 (hg19) VCF-style: chr16-89624088-G-A.
Other names: c.*753G>A (NM_001363850.1).
Identifiers: ClinVar variation 321299 (VCV000321299.5), dbSNP rs8058041, ClinGen allele CA10649300.

ClinVar aggregate classification (germline): Likely benign (1 of 4 stars; one submission).

Conditions:
Hereditary spastic paraplegia 7 (SPG7). Also called: SPG7-related neurologic disorder; Autosomal recessive spastic paraplegia type 7; SPASTIC PARAPLEGIA 7, AUTOSOMAL RECESSIVE, WITH OR WITHOUT CEREBELLAR ATAXIA; Spastic paraplegia 7; Hereditary spastic paraplegia Paraplegin type. Identifiers: Orphanet 99013, MedGen C1846564, MONDO:0011803, OMIM 607259.

Allele frequency attached by ClinVar (database versions not stated): gnomAD exomes 0.00057; TOPMed 0.01222; 1000 Genomes Project 0.01278; 1000 Genomes Project 30x 0.01280.

Submission:

Illumina Laboratory Services, Illumina
Classification: Likely benign for Hereditary spastic paraplegia 7. Last evaluated: 2018-01-13. Review status: criteria provided, single submitter. Criteria: ICSL Variant Classification Criteria 13 December 2019. Collection method: clinical testing. Allele origin: germline.
Comment: This variant was observed in the ICSL laboratory as part of a predisposition screen in an ostensibly healthy population. It had not been previously curated by ICSL or reported in the Human Gene Mutation Database (HGMD: prior to June 1st, 2018), and was therefore a candidate for classification through an automated scoring system. Utilizing variant allele frequency, disease prevalence and penetrance estimates, and inheritance mode, an automated score was calculated to assess if this variant is too frequent to cause the disease. Based on the score and internal cut-off values, a variant classified as likely benign is not then subjected to further curation. The score for this variant resulted in a classification of likely benign for this disease.